The following is an entry in ClinVar:

ClinVar aggregate classification (germline): Benign/Likely benign. Review status: criteria provided, multiple submitters, no conflicts (2 of 4 stars). 6 submissions from 6 submitters: Benign (4); Likely benign (1). 1 of the submissions does not count toward it. Last evaluated 2025-10-20.

Conditions:
CACNA1E-related disorder. Also called: CACNA1E-related condition.
Developmental and epileptic encephalopathy, 69. Also called: EPILEPTIC ENCEPHALOPATHY, EARLY INFANTILE, 69. Identifiers: MedGen C4748988, MONDO:0032657, OMIM 618285.

Allele frequency attached by ClinVar (database versions not stated): gnomAD exomes 0.00009 and 0.00019; ExAC 0.00025; ESP Exome Variant Server 0.00049; TOPMed 0.00056; gnomAD 0.00058 and 0.00061; 1000 Genomes Project 30x 0.00109; 1000 Genomes Project 0.00120.
gnomAD v4.1: 216 of 1,612,654 alleles (0.013%); highest among the groups gnomAD compares: African/African-American, 0.17%; 1 homozygote.

Submissions (6):

Labcorp Genetics (formerly Invitae), Labcorp
Classification: Benign. Last evaluated: 2025-10-20. Review status: criteria provided, single submitter. Criteria: Invitae Variant Classification Sherloc (09022015). Collection method: clinical testing. Allele origin: germline.

Blueprint Genetics
Classification: Likely benign. Last evaluated: 2024-05-27. Review status: criteria provided, single submitter. Criteria: ACMG Guidelines, 2015. Collection method: clinical testing. Allele origin: germline.

Genome-Nilou Lab
Classification: Benign for Developmental and epileptic encephalopathy, 69. Last evaluated: 2023-04-11. Review status: criteria provided, single submitter. Criteria: ACMG Guidelines, 2015. Collection method: clinical testing. Allele origin: germline. Affected: no.

GeneDx
Classification: Benign. Last evaluated: 2021-05-03. Review status: criteria provided, single submitter. Criteria: GeneDx Variant Classification Process June 2021. Collection method: clinical testing. Allele origin: germline. Affected: yes.

Breakthrough Genomics
Classification: Benign. Review status: criteria provided, single submitter. Criteria: ACMG Guidelines, 2015. Collection method: not provided. Allele origin: germline. Inheritance: Autosomal dominant inheritance. Affected: yes.

PreventionGenetics, part of Exact Sciences
Classification: Likely benign for CACNA1E-related condition. Last evaluated: 2024-05-18. Review status: no assertion criteria provided. Collection method: clinical testing. Allele origin: germline. Not counted in ClinVar's aggregate classification.
Comment: This variant is classified as likely benign based on ACMG/AMP sequence variant interpretation guidelines (Richards et al. 2015 PMID: 25741868, with internal and published modifications).

NM_001205293.3(CACNA1E):c.2124C>T (p.Asn708=)

Gene: CACNA1E (calcium voltage-gated channel subunit alpha1 E; plus strand). Cytogenetic location: 1q25.3.
Variant type: single nucleotide variant.
Coding change: c.2124C>T on transcript NM_001205293.3 (MANE Select); coding-DNA position 2124, C replaced by T.
Protein change: p.Asn708=; no amino-acid change (asparagine 708 retained).
Molecular consequence: synonymous variant.
Genome position (GRCh38, 1-based): chr1:181,724,519, C>T. VCF-style: chr1-181724519-C-T. GRCh37 (hg19) VCF-style: chr1-181693655-C-T.
Other names: c.2124C>T, p.Asn708= (NM_000721.4, NM_001205294.2).
Identifiers: ClinVar variation 1273940 (VCV001273940.13), dbSNP rs372607441, ClinGen allele CA1275259.